The following is an entry in ClinVar:

ClinVar aggregate classification (germline): Uncertain significance (1 of 4 stars; one submission).

Allele frequency attached by ClinVar (database versions not stated): TOPMed 0.00002.
gnomAD v4.1: 19 of 1,614,088 alleles (0.0012%); highest among the groups gnomAD compares: East Asian, 0.0022%; no homozygotes.

Submission:

Labcorp Genetics (formerly Invitae), Labcorp
Classification: Uncertain significance. Last evaluated: 2025-12-03. Review status: criteria provided, single submitter. Criteria: Invitae Variant Classification Sherloc (09022015). Collection method: clinical testing. Allele origin: germline.
Comment: This sequence change replaces asparagine, which is neutral and polar, with aspartic acid, which is acidic and polar, at codon 1027 of the ERBIN protein (p.Asn1027Asp). This variant is present in population databases (no rsID available, gnomAD 0.002%). This variant has not been reported in the literature in individuals affected with ERBIN-related conditions. ClinVar contains an entry for this variant (Variation ID: 2900975). An algorithm developed to predict the effect of missense changes on protein structure and function (PolyPhen-2) suggests that this variant is likely to be disruptive. In summary, the available evidence is currently insufficient to determine the role of this variant in disease. Therefore, it has been classified as a Variant of Uncertain Significance.

NM_001253697.2(ERBIN):c.3079A>G (p.Asn1027Asp)

Gene: ERBIN (erbb2 interacting protein; plus strand). Cytogenetic location: 5q12.3.
Variant type: single nucleotide variant.
Coding change: c.3079A>G on transcript NM_001253697.2 (MANE Select); coding-DNA position 3079, A replaced by G.
Protein change: p.Asn1027Asp; replaces asparagine 1027 with aspartic acid.
Molecular consequence: missense variant.
Genome position (GRCh38, 1-based): chr5:66,054,397, A>G. VCF-style: chr5-66054397-A-G. GRCh37 (hg19) VCF-style: chr5-65350225-A-G.
Other names: c.3079A>G, p.Asn1027Asp (NM_001006600.3, NM_001253698.2, NM_001253699.2 and 1 more transcripts); c.3067A>G, p.Asn1023Asp (NM_001253701.2); short protein forms N1023D, N1027D.
Identifiers: ClinVar variation 2900975 (VCV002900975.3), dbSNP rs931899749, ClinGen allele CA119868395.